The following is an entry in ClinVar:

NM_002485.5(NBN):c.815A>G (p.Asp272Gly)

Gene: NBN (nibrin; minus strand). Cytogenetic location: 8q21.3.
Variant type: single nucleotide variant.
Coding change: c.815A>G on transcript NM_002485.5 (MANE Select); coding-DNA position 815, A replaced by G.
Protein change: p.Asp272Gly; replaces aspartic acid 272 with glycine.
Molecular consequence: missense variant.
Genome position (GRCh38, 1-based): chr8:89,970,445, T>C on the plus strand (A>G on the coding strand, the complement: NBN is on the minus strand). VCF-style: chr8-89970445-T-C. GRCh37 (hg19) VCF-style: chr8-90982673-T-C.
Other names: p.D272G:GAT>GGT; c.569A>G, p.Asp190Gly (NM_001024688.3); short protein forms D272G, D190G.
Identifiers: ClinVar variation 182717 (VCV000182717.15), dbSNP rs730881847, ClinGen allele CA299605.
Genomic context (GRCh38, chr8:89,970,445, plus strand): 5'-GACTGAATCCATTTCTTCTGACAGTCAGGAATTAAGGTCTGTGAGTTTGTTATTCCTGTA[T>C]CAACAACACACGTTCCCGGAGCCAAAAAGAAATTATGTTCTTCTTCATTCTCTTCTGTTA-3'
Protein context (NP_002476.2, residues 262-282): FFLAPGTCVV[Asp272Gly]TGITNSQTLI

ClinVar aggregate classification (germline): Uncertain significance. Review status: criteria provided, multiple submitters, no conflicts (2 of 4 stars). 4 submissions from 4 submitters: Uncertain significance (4). Last evaluated 2024-01-03.

Conditions:
Hereditary cancer-predisposing syndrome. Also called: Tumor predisposition; Hereditary Cancer Syndrome; Hereditary neoplastic syndrome; Neoplastic Syndromes, Hereditary. Identifiers: Orphanet 140162, MedGen C0027672, MeSH D009386, MONDO:0015356.
Microcephaly, normal intelligence and immunodeficiency (NBS). Also called: IMMUNODEFICIENCY, MICROCEPHALY, AND CHROMOSOMAL INSTABILITY; SEEMANOVA SYNDROME II; Nijmegen breakage syndrome; Microcephaly with normal intelligence immunodeficiency and lymphoreticular malignancies; Nonsyndromal microcephaly autosomal recessive with normal intelligence; Seemanova syndrome 2. Identifiers: Orphanet 647, MedGen C0398791, MONDO:0009623, OMIM 251260.

Allele frequency attached by ClinVar (database versions not stated): gnomAD 0.00001.
gnomAD v4.1: 2 of 1,613,950 alleles (0.00012%); highest among the groups gnomAD compares: African/African-American, 0.0013%; no homozygotes.

Submissions (4):

Labcorp Genetics (formerly Invitae), Labcorp
Classification: Uncertain significance for Microcephaly, normal intelligence and immunodeficiency. Last evaluated: 2024-01-03. Review status: criteria provided, single submitter. Criteria: Invitae Variant Classification Sherloc (09022015). Collection method: clinical testing. Allele origin: germline.
Comment: This sequence change replaces aspartic acid, which is acidic and polar, with glycine, which is neutral and non-polar, at codon 272 of the NBN protein (p.Asp272Gly). This variant is present in population databases (rs730881847, gnomAD 0.01%). This variant has not been reported in the literature in individuals affected with NBN-related conditions. ClinVar contains an entry for this variant (Variation ID: 182717). An algorithm developed to predict the effect of missense changes on protein structure and function (PolyPhen-2) suggests that this variant is likely to be disruptive. In summary, the available evidence is currently insufficient to determine the role of this variant in disease. Therefore, it has been classified as a Variant of Uncertain Significance.

Ambry Genetics
Classification: Uncertain significance for Hereditary cancer-predisposing syndrome. Last evaluated: 2023-03-02. Review status: criteria provided, single submitter. Criteria: Ambry Variant Classification Scheme 2023. Collection method: clinical testing. Allele origin: germline.
Comment: The p.D272G variant (also known as c.815A>G), located in coding exon 7 of the NBN gene, results from an A to G substitution at nucleotide position 815. The aspartic acid at codon 272 is replaced by glycine, an amino acid with similar properties. This amino acid position is well conserved in available vertebrate species. In addition, the in silico prediction for this alteration is inconclusive. Since supporting evidence is limited at this time, the clinical significance of this alteration remains unclear.

Genome-Nilou Lab
Classification: Uncertain significance for Microcephaly, normal intelligence and immunodeficiency. Last evaluated: 2021-11-07. Review status: criteria provided, single submitter. Criteria: ACMG Guidelines, 2015. Collection method: clinical testing. Allele origin: germline. Affected: no.

GeneDx
Classification: Uncertain significance. Last evaluated: 2014-05-12. Review status: criteria provided, single submitter. Criteria: GeneDx Variant Classification (06012015). Collection method: clinical testing. Allele origin: germline. Affected: yes.
Comment: This variant is denoted NBN c.815A>G at the cDNA level, p.Asp272Gly (D272G) at the protein level, and results in the change of an Aspartic Acid to a Glycine (GAT>GGT). This variant has not, to our knowledge, been published in the literature as pathogenic or benign. NBN Asp272Gly was not observed in approximately 6,500 individuals of European and African American ancestry in the NHLBI Exome Sequencing Project, indicating it is not a common benign variant in these populations. Since Aspartic Acid and Glycine differ in polarity, charge, size or other properties, this is considered a non-conservative amino acid substitution. NBN Asp272Gly occurs at a position that is well conserved across species and is located in the regions that mediate interaction with SP100, MTOR, MAPKAP1, and RICTOR (UniProt). In addition, in silico analyses predict that this variant is probably damaging to protein structure and function. Based on currently available information, it is unclear whether NBN Asp272Gly is pathogenic or benign. We consider it to be a variant of uncertain significance.